The following is an entry in ClinVar:

ClinVar aggregate classification (germline): Benign/Likely benign. Review status: criteria provided, multiple submitters, no conflicts (2 of 4 stars). 6 submissions from 6 submitters: Benign (1); Likely benign (4). 1 of the submissions does not count toward it. Last evaluated 2026-05-22.

Conditions:
Hereditary cancer-predisposing syndrome. Also called: Hereditary neoplastic syndrome; Neoplastic Syndromes, Hereditary; Hereditary Cancer Syndrome; Tumor predisposition. Identifiers: Orphanet 140162, MedGen C0027672, MeSH D009386, MONDO:0015356.
NF1-related disorder. Also called: NF1-related condition. Identifiers: MedGen CN379171.
Neurofibromatosis, type 1 (NF1). Also called: Peripheral type neurofibromatosis; Neurofibromatosis, type I; VON RECKLINGHAUSEN DISEASE; NEUROFIBROMATOSIS, TYPE I, SOMATIC. Identifiers: Orphanet 636, MedGen C0027831, MONDO:0018975, OMIM 162200. Disease mechanism: loss of function.

Allele frequency attached by ClinVar (database versions not stated): gnomAD exomes below 0.00001 and 0.00001; ExAC 0.00002; gnomAD 0.00001; TOPMed 0.00002.
gnomAD v4.1: 5 of 1,613,668 alleles (0.00031%); highest among the groups gnomAD compares: African/African-American, 0.0027%; no homozygotes.

Submissions (6):

Myriad Genetics, Inc.
Classification: Benign for Neurofibromatosis, type 1. Last evaluated: 2026-05-22. Review status: criteria provided, single submitter. Criteria: Myriad Autosomal Dominant, Autosomal Recessive and X-Linked Classification Criteria (2023). Collection method: clinical testing. Allele origin: unknown.
Comment: This variant is considered benign. This variant is a silent/synonymous amino acid change and it is not expected to impact splicing.

Labcorp Genetics (formerly Invitae), Labcorp
Classification: Likely benign for Neurofibromatosis, type 1. Last evaluated: 2025-12-29. Review status: criteria provided, single submitter. Criteria: Invitae Variant Classification Sherloc (09022015). Collection method: clinical testing. Allele origin: germline.

Medical Genetics, University of Parma
Classification: Likely benign for Neurofibromatosis, type 1. Last evaluated: 2022-08-17. Review status: criteria provided, single submitter. Criteria: ACMG Guidelines, 2015. Collection method: clinical testing. Allele origin: germline. Inheritance: Autosomal dominant inheritance. Affected: yes.

Genome-Nilou Lab
Classification: Likely benign for Neurofibromatosis, type 1. Last evaluated: 2022-03-15. Review status: criteria provided, single submitter. Criteria: ACMG Guidelines, 2015. Collection method: clinical testing. Allele origin: germline. Affected: no.

Ambry Genetics
Classification: Likely benign for Hereditary cancer-predisposing syndrome. Last evaluated: 2015-09-16. Review status: criteria provided, single submitter. Criteria: Ambry Autosomal Dominant and X-Linked criteria (10/2015). Collection method: clinical testing. Allele origin: germline. Observed: 1 variant allele.

PreventionGenetics, part of Exact Sciences
Classification: Likely benign for NF1-related condition. Last evaluated: 2020-08-12. Review status: no assertion criteria provided. Collection method: clinical testing. Allele origin: germline. Not counted in ClinVar's aggregate classification.
Comment: This variant is classified as likely benign based on ACMG/AMP sequence variant interpretation guidelines (Richards et al. 2015 PMID: 25741868, with internal and published modifications).

NM_001042492.3(NF1):c.7647A>G (p.Ser2549=)

Gene: NF1 (neurofibromin 1; plus strand). Cytogenetic location: 17q11.2.
Variant type: single nucleotide variant.
Coding change: c.7647A>G on transcript NM_001042492.3 (MANE Select); coding-DNA position 7647, A replaced by G.
Protein change: p.Ser2549=; no amino-acid change (serine 2549 retained).
Molecular consequence: synonymous variant.
Genome position (GRCh38, 1-based): chr17:31,356,491, A>G. VCF-style: chr17-31356491-A-G. GRCh37 (hg19) VCF-style: chr17-29683509-A-G.
Other names: c.7584A>G, p.Ser2528= (NM_000267.4).
Identifiers: ClinVar variation 484001 (VCV000484001.16), dbSNP rs750342324, ClinGen allele CA8487631.